The following is an entry in ClinVar:

NM_005045.4(RELN):c.4564A>T (p.Ile1522Phe)

Gene: RELN (reelin; minus strand). Cytogenetic location: 7q22.1.
Variant type: single nucleotide variant.
Coding change: c.4564A>T on transcript NM_005045.4 (MANE Select); coding-DNA position 4564, A replaced by T.
Protein change: p.Ile1522Phe; replaces isoleucine 1522 with phenylalanine.
Molecular consequence: missense variant.
Genome position (GRCh38, 1-based): chr7:103,572,208, T>A on the plus strand (A>T on the coding strand, the complement: RELN is on the minus strand). VCF-style: chr7-103572208-T-A. GRCh37 (hg19) VCF-style: chr7-103212655-T-A.
Other names: c.4564A>T, p.Ile1522Phe (NM_173054.3); short protein forms I1522F.
Identifiers: ClinVar variation 854860 (VCV000854860.10), dbSNP rs757322020, ClinGen allele CA4421483.
Genomic context (GRCh38, chr7:103,572,208, plus strand): 5'-AGTAACTGTAATTTCCATGGAAATACAGCAGCTTACCTTCATTTCTAGTTCTTGGTTTGA[T>A]GCAGGTAATGCCTGAAGTTTTGCTTCCAATTTGTATATAAAATTGAACAAGTCTGGGGAA-3'
Protein context (NP_005036.2, residues 1512-1532): IGSKTSGITC[Ile1522Phe]KPRTRNEGLI

ClinVar aggregate classification (germline): Uncertain significance. Review status: criteria provided, multiple submitters, no conflicts (2 of 4 stars). 2 submissions from 2 submitters: Uncertain significance (2). Last evaluated 2024-10-30.

Conditions:
Familial temporal lobe epilepsy 7. Identifiers: Orphanet 101046, MedGen C4225327, MONDO:0014639, OMIM 616436.
Norman-Roberts syndrome (LIS2). Also called: Lissencephaly 2 (Norman-Roberts type). Identifiers: Orphanet 89844, MedGen C0796089, MONDO:0009760, OMIM 257320.
Inborn genetic diseases. Identifiers: MedGen C0950123, MeSH D030342.

Allele frequency attached by ClinVar (database versions not stated): gnomAD exomes below 0.00001; TOPMed below 0.00001; ExAC 0.00001; gnomAD 0.00001.
gnomAD v4.1: 6 of 1,592,744 alleles (0.00038%); highest among the groups gnomAD compares: Non-Finnish European, 0.00052%; no homozygotes.

Submissions (2):

Labcorp Genetics (formerly Invitae), Labcorp
Classification: Uncertain significance for Familial temporal lobe epilepsy 7; Norman-Roberts syndrome. Last evaluated: 2024-10-30. Review status: criteria provided, single submitter. Criteria: Invitae Variant Classification Sherloc (09022015). Collection method: clinical testing. Allele origin: germline.
Comment: This sequence change replaces isoleucine, which is neutral and non-polar, with phenylalanine, which is neutral and non-polar, at codon 1522 of the RELN protein (p.Ile1522Phe). This variant is present in population databases (rs757322020, gnomAD 0.0009%). This variant has not been reported in the literature in individuals affected with RELN-related conditions. ClinVar contains an entry for this variant (Variation ID: 854860). Invitae Evidence Modeling of protein sequence and biophysical properties (such as structural, functional, and spatial information, amino acid conservation, physicochemical variation, residue mobility, and thermodynamic stability) indicates that this missense variant is not expected to disrupt RELN protein function with a negative predictive value of 80%. In summary, the available evidence is currently insufficient to determine the role of this variant in disease. Therefore, it has been classified as a Variant of Uncertain Significance.

Ambry Genetics
Classification: Uncertain significance for Inborn genetic diseases. Last evaluated: 2024-01-04. Review status: criteria provided, single submitter. Criteria: Ambry Variant Classification Scheme 2023. Collection method: clinical testing. Allele origin: germline.